The following is an entry in ClinVar:

ClinVar aggregate classification (germline): Likely pathogenic (1 of 4 stars; one submission).

Conditions:
NUP107-related disorder. Also called: NUP107-related condition.

Allele frequency attached by ClinVar (database versions not stated): TOPMed below 0.00001; gnomAD 0.00001.

Submission:

PreventionGenetics, part of Exact Sciences
Classification: Likely pathogenic for NUP107-related condition. Last evaluated: 2023-02-06. Review status: criteria provided, single submitter. Criteria: ACMG Guidelines, 2015. Collection method: clinical testing. Allele origin: germline.
Comment: The NUP107 c.1226dupT variant is predicted to result in a frameshift and premature protein termination (p.Ser410Lysfs*9). To our knowledge, this variant has not been reported in the literature or in a large population database, indicating this variant is rare. Frameshift variants in NUP107 are expected to be pathogenic. This variant is interpreted as likely pathogenic.

NM_020401.4(NUP107):c.1226dup (p.Ser410fs)

Gene: NUP107 (nucleoporin 107; plus strand). Cytogenetic location: 12q15.
Variant type: Duplication.
Coding change: c.1226dup on transcript NM_020401.4 (MANE Select); coding-DNA position 1226, one base duplicated (T; older notation c.1226dupT).
Protein change: p.Ser410fs; shifts the reading frame from serine 410.
Molecular consequence: frameshift variant.
Genome position (GRCh38, 1-based): chr12:68,719,629, T duplicated. VCF-style (leftmost placement, unchanged base first): chr12-68719628-A-AT. GRCh37 (hg19) VCF-style: chr12-69113408-A-AT.
Other names: c.1139dup, p.Ser381fs (NM_001330192.2); short protein forms S381fs, S410fs.
Identifiers: ClinVar variation 2630497 (VCV002630497.1), dbSNP rs1391838663, ClinGen allele CA691313419.